The following is an entry in ClinVar:

ClinVar aggregate classification (germline): Uncertain significance (1 of 4 stars; one submission).

Allele frequency attached by ClinVar (database versions not stated): gnomAD exomes below 0.00001.

Submission:

CeGaT Center for Human Genetics Tuebingen
Classification: Uncertain significance. Last evaluated: 2022-08-01. Review status: criteria provided, single submitter. Criteria: CeGaT Center For Human Genetics Tuebingen Variant Classification Criteria Version 2. Collection method: clinical testing. Allele origin: germline. Affected: yes. Observed: 1 variant allele.
Comment: ATXN7: PM2

NM_001377405.1(ATXN7):c.1484G>A (p.Gly495Asp)

Gene: ATXN7 (ataxin 7; plus strand). Cytogenetic location: 3p14.1.
Variant type: single nucleotide variant.
Coding change: c.1484G>A on transcript NM_001377405.1 (MANE Select); coding-DNA position 1484, G replaced by A.
Protein change: p.Gly495Asp; replaces glycine 495 with aspartic acid.
Molecular consequence: missense variant.
Genome position (GRCh38, 1-based): chr3:63,990,298, G>A. VCF-style: chr3-63990298-G-A. GRCh37 (hg19) VCF-style: chr3-63975974-G-A.
Other names: c.1484G>A, p.Gly495Asp (NM_000333.4, NM_001177387.1, NM_001377406.1); c.1049G>A, p.Gly350Asp (NM_001128149.3); short protein forms G350D, G495D.
Identifiers: ClinVar variation 2653943 (VCV002653943.24), dbSNP rs985871808, ClinGen allele CA353434364.